The following is an entry in ClinVar:

ClinVar aggregate classification (germline): Pathogenic (1 of 4 stars; one submission).

Conditions:
Hurler syndrome. Also called: Gargoylism, Hurler Syndrome; MUCOPOLYSACCHARIDOSIS TYPE IH; Severe MPS I (Hurler Syndrome). Identifiers: Orphanet 93473, MedGen C0086795, MONDO:0011758, OMIM 607014.

Submission:

Foundation for Research in Genetics and Endocrinology, FRIGE's Institute of Human Genetics
Classification: Pathogenic for Hurler syndrome. Last evaluated: 2024-04-19. Review status: criteria provided, single submitter. Criteria: ACMG Guidelines, 2015. Collection method: clinical testing. Allele origin: germline. Inheritance: Autosomal recessive inheritance. Affected: yes. Observed: 1 homozygote.
Comment: A homozygous variant in exon 5 of the IDUA gene that results in the amino acid substitution of cystein for phenylalanine at codon 177 was detected. The observed variant c.530T>G (p.Phe177Cys) has not been reported in gnomAD databases. The in silico prediction of the variant are possibly damaging by SIFT, DANN and MutationTaster2. The reference codon is conserved across species. In summary, the variant meets our criteria to be classified as pathogenic.

NM_000203.5(IDUA):c.530T>G (p.Phe177Cys)

Gene: IDUA (alpha-L-iduronidase; plus strand). Cytogenetic location: 4p16.3.
Variant type: single nucleotide variant.
Coding change: c.530T>G on transcript NM_000203.5 (MANE Select); coding-DNA position 530, T replaced by G.
Protein change: p.Phe177Cys; replaces phenylalanine 177 with cysteine.
Molecular consequence: missense variant. On other transcripts: non-coding transcript variant (1).
Genome position (GRCh38, 1-based): chr4:1,001,504, T>G. VCF-style: chr4-1001504-T-G. GRCh37 (hg19) VCF-style: chr4-995292-T-G.
Other names: p.Phe177Cys; c.134T>G, p.Phe45Cys (NM_001363576.1); short protein forms F177C, F45C.
Identifiers: ClinVar variation 3147976 (VCV003147976.2), dbSNP rs2534082851, ClinGen allele CA355961707.